The following is an entry in ClinVar:

ClinVar aggregate classification (germline): Pathogenic/Likely pathogenic. Review status: criteria provided, multiple submitters, no conflicts (2 of 4 stars). 3 submissions from 3 submitters: Pathogenic (1); Likely pathogenic (1). 1 of the submissions does not count toward it. Last evaluated 2019-08-08.

Conditions:
Marfan syndrome (MFS). Also called: Marfan syndrome, classic; FBN1-Related Marfan Syndrome; Marfan syndrome type 1; Marfan's syndrome; MARFAN SYNDROME, TYPE I. Identifiers: Orphanet 284963, Orphanet 558, MedGen C0024796, MONDO:0007947, OMIM 154700.
Familial thoracic aortic aneurysm and aortic dissection (TAAD). Also called: Thoracic aortic aneurysms and dissections. Identifiers: Orphanet 91387, MedGen C4707243, MONDO:0019625.

Submissions (3):

Labcorp Genetics (formerly Invitae), Labcorp
Classification: Pathogenic for Marfan syndrome; Familial thoracic aortic aneurysm and aortic dissection. Last evaluated: 2019-08-08. Review status: criteria provided, single submitter. Criteria: Invitae Variant Classification Sherloc (09022015). Collection method: clinical testing. Allele origin: germline.
Comment: This sequence change replaces cysteine with tyrosine at codon 876 of the FBN1 protein (p.Cys876Tyr). The cysteine residue is highly conserved and there is a large physicochemical difference between cysteine and tyrosine. This variant is not present in population databases (ExAC no frequency). This variant has been observed in an individual affected with Marfan syndrome (PMID: 26787436). ClinVar contains an entry for this variant (Variation ID: 199999). Algorithms developed to predict the effect of missense changes on protein structure and function are either unavailable or do not agree on the potential impact of this missense change (SIFT: "Deleterious"; PolyPhen-2: "Probably Damaging"; Align-GVGD: "Class C0"). This variant disrupts the p.Cys876 amino acid residue in FBN1. Other variant(s) that disrupt this residue have been observed in individuals with FBN1-related conditions (PMID: 26787436, 28855619), which suggests that this may be a clinically significant amino acid residue. For these reasons, this variant has been classified as Pathogenic. This variant affects a cysteine residue in the EGF-like, TGFBP or hybrid motif domains of FBN1. Cysteine residues are believed to be involved in intramolecular disulfide bridges and have been shown to be important for FBN1 protein structure (PMID: 16905551, 19349279). In addition, missense substitutions affecting cysteine residues within these domains are significantly overrepresented among patients with Marfan syndrome (PMID: 16571647, 17701892).

GeneDx
Classification: Likely pathogenic. Last evaluated: 2017-05-24. Review status: criteria provided, single submitter. Criteria: GeneDx Variant Classification (06012015). Collection method: clinical testing. Allele origin: germline. Affected: yes.
Comment: p.Cys876Tyr (TGC>TAC): c.2627 G>A in exon 22 of the FBN1 gene (NM_000138.4)The Cys876Tyr variant in the FBN1 gene has not been reported as a disease-causing mutation or as a benign polymorphism to our knowledge. The Cys876Tyr variant is a non-conservative amino acid substitution as these residues differ in polarity, charge, size and/or other properties and is more likely to impact secondary structure. The Cys876 residue is conserved across species. In silico analysis predicts Cys876Tyr is damaging to the protein structure/function. Mutations in nearby residues (Cys875Arg, Gly880Ser, Ala882Val) have been reported in association with Marfan syndrome, further supporting the functional importance of this region of the protein. Furthermore, the Cys876Tyr variant was not observed in approximately 6500 individuals of European and African American ancestry in the NHLBI Exome Sequencing Project, indicating it is not a common benign variant in these populations.In summary, while Cys876Tyr is a good candidate for a disease-causing mutation, with the clinical and molecular information available at this time we cannot unequivocally determine the clinical significance of this variant. The variant is found in TAAD panel(s).

Center for Medical Genetics Ghent, University of Ghent
Classification: Likely pathogenic for Marfan syndrome. Last evaluated: 2017-11-07. Review status: no assertion criteria provided. Collection method: clinical testing. Allele origin: germline. Affected: yes. Not counted in ClinVar's aggregate classification.

Literature cited by the submitters: PubMed 26787436 (cited by Labcorp Genetics (formerly Invitae), Labcorp); PubMed 28855619 (cited by Labcorp Genetics (formerly Invitae), Labcorp); PubMed 16905551 (cited by Labcorp Genetics (formerly Invitae), Labcorp); PubMed 19349279 (cited by Labcorp Genetics (formerly Invitae), Labcorp); PubMed 16571647 (cited by Labcorp Genetics (formerly Invitae), Labcorp); PubMed 17701892 (cited by Labcorp Genetics (formerly Invitae), Labcorp).

NM_000138.5(FBN1):c.2627G>A (p.Cys876Tyr)

Gene: FBN1 (fibrillin 1; minus strand). Cytogenetic location: 15q21.1.
Variant type: single nucleotide variant.
Coding change: c.2627G>A on transcript NM_000138.5 (MANE Select); coding-DNA position 2627, G replaced by A.
Protein change: p.Cys876Tyr; replaces cysteine 876 with tyrosine.
Molecular consequence: missense variant.
Genome position (GRCh38, 1-based): chr15:48,495,173, C>T on the plus strand (G>A on the coding strand, the complement: FBN1 is on the minus strand). VCF-style: chr15-48495173-C-T. GRCh37 (hg19) VCF-style: chr15-48787370-C-T.
Other names: p.C876Y:TGC>TAC; short protein forms C876Y.
Identifiers: ClinVar variation 199999 (VCV000199999.11), dbSNP rs794728193, ClinGen allele CA013240.